The following is an entry in ClinVar:

NM_024642.5(GALNT12):c.215C>G (p.Ala72Gly)

Gene: GALNT12 (polypeptide N-acetylgalactosaminyltransferase 12; plus strand). Cytogenetic location: 9q22.33.
Variant type: single nucleotide variant.
Coding change: c.215C>G on transcript NM_024642.5 (MANE Select); coding-DNA position 215, C replaced by G.
Protein change: p.Ala72Gly; replaces alanine 72 with glycine.
Molecular consequence: missense variant.
Genome position (GRCh38, 1-based): chr9:98,807,913, C>G. VCF-style: chr9-98807913-C-G. GRCh37 (hg19) VCF-style: chr9-101570195-C-G.
Other names: short protein forms A72G.
Identifiers: ClinVar variation 2451765 (VCV002451765.2), dbSNP rs1399582875, ClinGen allele CA374222539.
Genomic context (GRCh38, chr9:98,807,913, plus strand): 5'-CCCCGCGCACCCCGCGCCCCGGGCGGCGCGAGCCGGTCATGCCGCGGCCGCCGGTGCCGG[C>G]GAACGCGCTGGGCGCGCGGGGCGAGGCGGTGCGGCTGCAGCTGCAGGGCGAGGAGCTGCG-3'
Protein context (NP_078918.3, residues 62-82): EPVMPRPPVP[Ala72Gly]NALGARGEAV

ClinVar aggregate classification (germline): Uncertain significance (1 of 4 stars; one submission).

Submission:

Ambry Genetics
Classification: Uncertain significance. Last evaluated: 2022-12-10. Review status: criteria provided, single submitter. Criteria: Ambry Variant Classification Scheme 2023. Collection method: clinical testing. Allele origin: germline.
Comment: The p.A72G variant (also known as c.215C>G), located in coding exon 1 of the GALNT12 gene, results from a C to G substitution at nucleotide position 215. The alanine at codon 72 is replaced by glycine, an amino acid with similar properties. This amino acid position is conserved. In addition, this alteration is predicted to be tolerated by in silico analysis. Since supporting evidence is limited at this time, the clinical significance of this alteration remains unclear.